The following is an entry in ClinVar:

NM_080680.3(COL11A2):c.2668C>T (p.Pro890Ser)

Gene: COL11A2 (collagen type XI alpha 2 chain; minus strand). Cytogenetic location: 6p21.32.
Variant type: single nucleotide variant.
Coding change: c.2668C>T on transcript NM_080680.3 (MANE Select); coding-DNA position 2668, C replaced by T.
Protein change: p.Pro890Ser; replaces proline 890 with serine.
Molecular consequence: missense variant.
Genome position (GRCh38, 1-based): chr6:33,173,516, G>A on the plus strand (C>T on the coding strand, the complement: COL11A2 is on the minus strand). VCF-style: chr6-33173516-G-A. GRCh37 (hg19) VCF-style: chr6-33141293-G-A.
Other names: c.2488C>T, p.Pro830Ser (NM_001424108.1); c.1822C>T, p.Pro608Ser (NM_001424109.1); c.1642C>T, p.Pro548Ser (NM_001424110.1, NM_001424111.1); c.622C>T, p.Pro208Ser (NM_001424112.1); c.2347C>T, p.Pro783Ser (NM_080679.3); c.2410C>T, p.Pro804Ser (NM_080681.3); short protein forms P208S, P548S, P608S, P783S, P804S, P830S, P890S.
Identifiers: ClinVar variation 4801317 (VCV004801317.1).

ClinVar aggregate classification (germline): Uncertain significance (1 of 4 stars; one submission).

Submission:

Labcorp Genetics (formerly Invitae), Labcorp
Classification: Uncertain significance. Last evaluated: 2026-01-04. Review status: criteria provided, single submitter. Criteria: Invitae Variant Classification Sherloc (09022015). Collection method: clinical testing. Allele origin: germline.
Comment: This sequence change replaces proline, which is neutral and non-polar, with serine, which is neutral and polar, at codon 890 of the COL11A2 protein (p.Pro890Ser). This variant is not present in population databases (gnomAD no frequency). This variant has not been reported in the literature in individuals affected with COL11A2-related conditions. Invitae Evidence Modeling of protein sequence and biophysical properties (such as structural, functional, and spatial information, amino acid conservation, physicochemical variation, residue mobility, and thermodynamic stability) indicates that this missense variant is not expected to disrupt COL11A2 protein function with a negative predictive value of 95%. In summary, the available evidence is currently insufficient to determine the role of this variant in disease. Therefore, it has been classified as a Variant of Uncertain Significance.